The following is an entry in ClinVar:

ClinVar aggregate classification (germline): Uncertain significance (1 of 4 stars; one submission).

Submission:

Women's Health and Genetics/Laboratory Corporation of America, LabCorp
Classification: Uncertain significance. Last evaluated: 2024-09-16. Review status: criteria provided, single submitter. Criteria: LabCorp Variant Classification Summary - May 2015. Collection method: clinical testing. Allele origin: germline.
Comment: Variant summary: GABRD c.833C>A (p.Ala278Asp) results in a non-conservative amino acid change in the encoded protein sequence. Five of five in-silico tools predict a damaging effect of the variant on protein function. The variant was absent in 172144 control chromosomes. The available data on variant occurrences in the general population are insufficient to allow any conclusion about variant significance. To our knowledge, no occurrence of c.833C>A in individuals affected with GABRD-Related Disorders and no experimental evidence demonstrating its impact on protein function have been reported. No submitters have cited clinical-significance assessments for this variant to ClinVar. Based on the evidence outlined above, the variant was classified as uncertain significance.

NM_000815.5(GABRD):c.833C>A (p.Ala278Asp)

Gene: GABRD (gamma-aminobutyric acid type A receptor subunit delta; plus strand). Cytogenetic location: 1p36.33.
Variant type: single nucleotide variant.
Coding change: c.833C>A on transcript NM_000815.5 (MANE Select); coding-DNA position 833, C replaced by A.
Protein change: p.Ala278Asp; replaces alanine 278 with aspartic acid.
Molecular consequence: missense variant.
Genome position (GRCh38, 1-based): chr1:2,029,252, C>A. VCF-style: chr1-2029252-C-A. GRCh37 (hg19) VCF-style: chr1-1960691-C-A.
Other names: short protein forms A278D.
Identifiers: ClinVar variation 3375454 (VCV003375454.1).